The following is an entry in ClinVar:

ClinVar aggregate classification (germline): Pathogenic. Review status: criteria provided, multiple submitters, no conflicts (2 of 4 stars). 46 submissions from 45 submitters: Pathogenic (35). 11 of the submissions do not count toward it. Last evaluated 2026-04-06.
ClinVar aggregate classification (oncogenicity): Likely oncogenic (1 of 4 stars; one submission).

Conditions:
PTPN11-related disorder. Also called: PTPN11-Related Disorders.
Autosomal dominant PTPN11-related disorders.
Noonan syndrome and Noonan-related syndrome. Identifiers: Orphanet 98733, MedGen C5681679, MONDO:0020297.
Cardiovascular phenotype. Identifiers: MedGen CN230736.
Noonan syndrome 1 (NS1). Also called: TURNER PHENOTYPE WITH NORMAL KARYOTYPE; FEMALE PSEUDO-TURNER SYNDROME; PTPN11-Related Noonan Syndrome. Identifiers: Orphanet 648, MedGen C4551602, MONDO:0008104, OMIM 163950. Disease mechanism: gain of function.
LEOPARD syndrome 1 (LPRD1). Also called: PTPN11-Related LEOPARD Syndrome; LENTIGINOSIS, CARDIOMYOPATHIC; MULTIPLE LENTIGINES SYNDROME. Identifiers: Orphanet 500, MedGen C4551484, MONDO:0100082, OMIM 151100.
Metachondromatosis (METCDS). Identifiers: Orphanet 2499, MedGen C0410530, MONDO:0007979, OMIM 156250.
Juvenile myelomonocytic leukemia (JMML). Also called: LEUKEMIA, JUVENILE MYELOMONOCYTIC, SOMATIC. Identifiers: Orphanet 86834, MedGen C0349639, MONDO:0011908, OMIM 607785, HP:0012209.
RASopathy. Also called: rasopathies; Noonan spectrum disorder. Identifiers: Orphanet 536391, MedGen C5555857, MONDO:0021060.
Noonan syndrome (NS). Also called: Noonan's syndrome. Identifiers: Orphanet 648, MedGen C0028326, MeSH D009634, MONDO:0018997. Disease mechanism: gain of function.
Noonan syndrome 3 (NS3). Also called: KRAS-Related Noonan Syndrome. Identifiers: Orphanet 648, MedGen C1860991, MONDO:0012371, OMIM 609942.
Neoplasm. Also called: Neoplasms; Neoplasm (disease); tumor. Identifiers: MedGen C0027651, MeSH D009369, MONDO:0005070, HP:0002664.

Submissions 1 to 6 of 47:

Dasa
Classification: Pathogenic. Last evaluated: 2026-04-06. Review status: criteria provided, single submitter. Criteria: DASA Assertion Criteria. Collection method: clinical testing. Allele origin: germline.
Comment: NM_002834.5(PTPN11):c.923A>G (p.Asn308Ser) is a missense variant that results in the substitution of asparagine with serine. This variant has been recurrently observed in individuals with related phenotype (PMID: 11992261; PMID: 19077116; PMID: 20718194; PMID: 22781091; PMID: 24451042). Segregation evidence has been reported in affected families. Based on the available data, this variant is classified as pathogenic.

Labcorp Genetics (formerly Invitae), Labcorp
Classification: Pathogenic for RASopathy. Last evaluated: 2025-12-19. Review status: criteria provided, single submitter. Criteria: Invitae Variant Classification Sherloc (09022015). Collection method: clinical testing. Allele origin: germline.
Comment: This sequence change replaces asparagine, which is neutral and polar, with serine, which is neutral and polar, at codon 308 of the PTPN11 protein (p.Asn308Ser). This variant is not present in population databases (gnomAD no frequency). This missense change has been observed in individual(s) with Noonan syndrome (PMID: 11992261, 19077116, 20718194, 22781091, 24451042, 25595571). It has also been observed to segregate with disease in related individuals. ClinVar contains an entry for this variant (Variation ID: 13327). Invitae Evidence Modeling incorporating data from in vitro experimental studies (internal data) indicates that this missense variant is expected to disrupt PTPN11 function with a positive predictive value of 95%. This variant disrupts the p.Asn308 amino acid residue in PTPN11. Other variant(s) that disrupt this residue have been determined to be pathogenic (PMID: 11992261). This suggests that this residue is clinically significant, and that variants that disrupt this residue are likely to be disease-causing. For these reasons, this variant has been classified as Pathogenic.

3billion
Classification: Pathogenic for Noonan syndrome 1. Last evaluated: 2025-11-24. Review status: criteria provided, single submitter. Criteria: ACMG Guidelines, 2015. Collection method: clinical testing. Allele origin: germline. Affected: yes.
Comment: The variant is not observed in the gnomAD v4.1.0 dataset. Predicted Consequence/Location: Missense variant. Missense changes are a common disease-causing mechanism. In silico tool predictions suggest damaging effect of the variant on gene or gene product [REVEL: 0.69 (>=0.6, sensitivity 0.68 and specificity 0.92); 3Cnet: 1.00 (> 0.75, sensitivity 0.96 and precision 0.92)]. The same nucleotide change resulting in the same amino acid change has been previously reported as pathogenic/likely pathogenic with strong evidence (ClinVar ID: VCV000013327 /PMID: 11992261 /3billion dataset). Different missense changes at the same codon (p.Asn308Asp, p.Asn308Thr) have been reported as pathogenic/likely pathogenic with strong evidence (ClinVar ID: VCV000013326, VCV000040535 /PMID: 11704759, 15001945 /3billion dataset). Therefore, this variant is classified as Pathogenic according to the recommendation of ACMG/AMP guideline.

PreventionGenetics, part of Exact Sciences
Classification: Pathogenic for PTPN11-related condition. Last evaluated: 2025-10-14. Review status: criteria provided, single submitter. Criteria: ACMG Guidelines, 2015. Collection method: clinical testing. Allele origin: germline.
Comment: The PTPN11 c.923A>G variant is predicted to result in the amino acid substitution p.Asn308Ser. This variant has been well-documented to be causative for Noonan Syndrome (see for example - Tartaglia et al. 2002. PubMed ID: 11992261). This variant was found to segregate in a large multi-generation pedigree (Tartaglia et al. 2002. PubMed ID: 11992261) and has been reported as a de novo variant in an individual with congenital heart defects (Jin et al. 2017. PubMed ID: 28991257, Table S9). Functional studies of this variant demonstrate increased catalytic activity and altered substrate specificity compared to wild type PTPN11 (Keilhack et al. 2005. PubMed ID: 15987685). Additionally, different amino acid substitutions (p.Asn308Asp, p.Asn308Thr) affecting the same amino acid have been reported as pathogenic (Tartaglia et al. 2001. PubMed ID: 11704759; Zenker et al. 2004. PubMed ID: 15001945). This variant has not been reported in a large population database (gnomAD), indicating this variant is rare. This variant has been interpreted as pathogenic by multiple clinical labs contributing to the ClinVar database (Variation ID: 13327). This variant is interpreted as pathogenic.

Ambry Genetics
Classification: Pathogenic for Cardiovascular phenotype. Last evaluated: 2025-05-27. Review status: criteria provided, single submitter. Criteria: Ambry Variant Classification Scheme 2023. Collection method: clinical testing. Allele origin: germline.
Comment: The c.923A>G (p.N308S) alteration is located in exon 8 (coding exon 8) of the PTPN11 gene. This alteration results from a A to G substitution at nucleotide position 923, causing the asparagine (N) at amino acid position 308 to be replaced by a serine (S). for PTPN11-related RASopathy; however, it is unlikely to be causative of metachondromatosis. This variant was not reported in population-based cohorts in the Genome Aggregation Database (gnomAD). This variant was reported in multiple individuals with features consistent with PTPN11-related RASopathy, and segregated with disease in at least one family (Tartaglia, 2002; Demir, 2010; Digilio, 2013; Li, 2022; Zepeda-Olmos, 2024; Orlova, 2024). Other variants at the same codon, c.922A>G (p.N308D) and c.923A>C (p.N308T), have been identified in individuals with features consistent with PTPN11-related RASopathy (Tartaglia, 2005; Jongmans, 2005; Tartaglia, 2006; Pierpont, 2009; Yoon, 2013). In addition, it has been suggested that N308 mutations may be associated with more mild cognitive effects than other variants; however, the outcome for any individual cannot be reliably predicted based on their genotype (Qiu, 2014, Tartaglia, 2002, Pierpont, 2009). This amino acid position is highly conserved in available vertebrate species. The p.N308 amino acid is located in the phosphotyrosine phosphatase (PTP) domain of the PTPN11 protein (Tartaglia, 2001). The in silico prediction for this alteration is inconclusive. Based on the available evidence, this alteration is classified as pathogenic.

Variantyx, Inc.
Classification: Pathogenic for Autosomal dominant PTPN11-related disorders. Last evaluated: 2025-04-21. Review status: criteria provided, single submitter. Criteria: Variantyx Assertion Criteria 2022. Collection method: clinical testing. Allele origin: de novo. Inheritance: Autosomal dominant inheritance. Affected: yes.
Comment: This is a nonsynonymous variant in the PTPN11 gene (OMIM: 176876). Pathogenic variants in this gene have been associated with autosomal dominant PTPN11-related disorders. This variant has been reported in several unrelated affected individuals (PMID: 11992261, 19077116, 20718194, 24451042, 25595571) (PS4 and it has been observed to segregate with disease in at least 6 individuals from 2 families (PMID: 11992261, 20718194) (PP1_Moderate). It likely occurred de novo in individuals from previous internal cases; however, the possibility of parental germline mosaicism cannot be excluded (PS2_Moderate). Moreover, alternate amino acid changes at this position (c.922A>G; p.Asn308Asp and c.923A>C; p.Asn308Thr) have been previously reported in similarly affected individuals, which suggests that this residue is biologically important (PMID: 11992261, 19077116, 21340158, 16358218) (PM5) and multiple computational algorithms predict a deleterious effect for this variant (REVEL score: 0.685) (PP3). This variant is absent from control populations (PM2). Based on the current evidence, this variant is classified as pathogenic for autosomal dominant PTPN11-related disorders.

NM_002834.5(PTPN11):c.923A>G (p.Asn308Ser)

Gene: PTPN11 (protein tyrosine phosphatase non-receptor type 11; plus strand). Cytogenetic location: 12q24.13.
Variant type: single nucleotide variant.
Coding change: c.923A>G on transcript NM_002834.5 (MANE Select); coding-DNA position 923, A replaced by G.
Protein change: p.Asn308Ser; replaces asparagine 308 with serine.
Molecular consequence: missense variant.
Genome position (GRCh38, 1-based): chr12:112,477,720, A>G. VCF-style: chr12-112477720-A-G. GRCh37 (hg19) VCF-style: chr12-112915524-A-G.
Other names: p.N308S:AAT>AGT; c.923A>G, p.Asn308Ser (NM_001330437.2, NM_080601.3); c.920A>G, p.Asn307Ser (NM_001374625.1); short protein forms N308S, N307S.
Identifiers: ClinVar variation 13327 (VCV000013327.72), dbSNP rs121918455, ClinGen allele CA235328.